The following is an entry in ClinVar:

ClinVar aggregate classification (germline): Likely benign. Review status: criteria provided, multiple submitters, no conflicts (2 of 4 stars). 3 submissions from 3 submitters: Likely benign (2). 1 of the submissions does not count toward it. Last evaluated 2025-12-16.

Conditions:
Methylmalonic aciduria, cblA type (MACA). Also called: Methylmalonic aciduria, vitamin b12-responsive, due to defect in synthesis of adenosylcobalamin, cbla complementation type; MMA cbl A type; Methylmalonic acidemia cblA type; Vitamin B12-responsive methylmalonic acidemia type cblA; Methylmalonic aciduria, vitamin B12-responsive. Identifiers: Orphanet 28, Orphanet 79310, MedGen C1855109, MONDO:0009613, OMIM 251100.
MMAA-related disorder. Also called: MMAA-related condition.

Allele frequency attached by ClinVar (database versions not stated): ESP Exome Variant Server 0.00008; gnomAD exomes 0.00010 and 0.00024; ExAC 0.00013; gnomAD 0.00014; TOPMed 0.00015.
gnomAD v4.1: 373 of 1,613,784 alleles (0.023%); highest among the groups gnomAD compares: Non-Finnish European, 0.03%; no homozygotes.

Submissions (3):

Labcorp Genetics (formerly Invitae), Labcorp
Classification: Likely benign for Methylmalonic aciduria, cblA type. Last evaluated: 2025-12-16. Review status: criteria provided, single submitter. Criteria: Invitae Variant Classification Sherloc (09022015). Collection method: clinical testing. Allele origin: germline.

GeneDx
Classification: Likely benign. Last evaluated: 2017-08-15. Review status: criteria provided, single submitter. Criteria: GeneDx Variant Classification (06012015). Collection method: clinical testing. Allele origin: germline. Affected: yes.
Comment: This variant is considered likely benign or benign based on one or more of the following criteria: it is a conservative change, it occurs at a poorly conserved position in the protein, it is predicted to be benign by multiple in silico algorithms, and/or has population frequency not consistent with disease.

PreventionGenetics, part of Exact Sciences
Classification: Likely benign for MMAA-related condition. Last evaluated: 2019-05-09. Review status: no assertion criteria provided. Collection method: clinical testing. Allele origin: germline. Not counted in ClinVar's aggregate classification.
Comment: This variant is classified as likely benign based on ACMG/AMP sequence variant interpretation guidelines (Richards et al. 2015 PMID: 25741868, with internal and published modifications).

NM_172250.3(MMAA):c.729C>T (p.Thr243=)

Gene: MMAA (metabolism of cobalamin associated A; plus strand). Cytogenetic location: 4q31.21.
Variant type: single nucleotide variant.
Coding change: c.729C>T on transcript NM_172250.3 (MANE Select); coding-DNA position 729, C replaced by T.
Protein change: p.Thr243=; no amino-acid change (threonine 243 retained).
Molecular consequence: synonymous variant.
Genome position (GRCh38, 1-based): chr4:145,646,152, C>T. VCF-style: chr4-145646152-C-T. GRCh37 (hg19) VCF-style: chr4-146567304-C-T.
Identifiers: ClinVar variation 511282 (VCV000511282.13), dbSNP rs138111772, ClinGen allele CA3095238.
Genomic context (GRCh38, chr4:145,646,152, plus strand): 5'-CACAAATGAAGCTATTCTGTTGTGTGAAGGAGCGGGATATGACATAATTCTTATTGAAAC[C>T]GTTGGTGAGTGTGATATTCTATTTCATAACAATGTACTATTTTATGAATGCTATATAAAG-3'
Protein context (NP_758454.1, residues 233-253): GAGYDIILIE[Thr243=]VGVGQSEFAV